The following is an entry in ClinVar:

ClinVar aggregate classification (germline): Uncertain significance (1 of 4 stars; one submission).

Conditions:
Hereditary breast ovarian cancer syndrome. Also called: Hereditary breast and ovarian cancer; Hereditary breast and ovarian cancer syndrome; Breast and ovarian cancer; BRCA1- and BRCA2-Associated Hereditary Breast and Ovarian Cancer; Hereditary breast and ovarian cancer syndrome (HBOC); Hereditary breast and/or ovarian cancer syndrome. Identifiers: Orphanet 145, MedGen C0677776, MeSH D061325, MONDO:0003582. Disease mechanism: loss of function.

Submission:

Labcorp Genetics (formerly Invitae), Labcorp
Classification: Uncertain significance for Hereditary breast ovarian cancer syndrome. Last evaluated: 2025-07-21. Review status: criteria provided, single submitter. Criteria: Invitae Variant Classification Sherloc (09022015). Collection method: clinical testing. Allele origin: germline.
Comment: This sequence change replaces leucine, which is neutral and non-polar, with phenylalanine, which is neutral and non-polar, at codon 1504 of the BRCA1 protein (p.Leu1504Phe). This variant is not present in population databases (gnomAD no frequency). This variant has not been reported in the literature in individuals affected with BRCA1-related conditions. ClinVar contains an entry for this variant (Variation ID: 2753975). Invitae Evidence Modeling of protein sequence and biophysical properties (such as structural, functional, and spatial information, amino acid conservation, physicochemical variation, residue mobility, and thermodynamic stability) indicates that this missense variant is not expected to disrupt BRCA1 protein function with a negative predictive value of 95%. In summary, the available evidence is currently insufficient to determine the role of this variant in disease. Therefore, it has been classified as a Variant of Uncertain Significance.

NM_007294.4(BRCA1):c.4512A>C (p.Leu1504Phe)

Gene: BRCA1 (BRCA1 DNA repair associated; minus strand). Cytogenetic location: 17q21.31.
Variant type: single nucleotide variant.
Coding change: c.4512A>C on transcript NM_007294.4 (MANE Select); coding-DNA position 4512, A replaced by C.
Protein change: p.Leu1504Phe; replaces leucine 1504 with phenylalanine.
Molecular consequence: missense variant. On other transcripts: intron variant (3).
Genome position (GRCh38, 1-based): chr17:43,074,494, T>G on the plus strand (A>C on the coding strand, the complement: BRCA1 is on the minus strand). VCF-style: chr17-43074494-T-G. GRCh37 (hg19) VCF-style: chr17-41226511-T-G.
Other names: c.1197A>C, p.Leu399Phe (NM_001408392.1, NM_001408396.1, NM_001408397.1 and 8 more transcripts); c.1194A>C, p.Leu398Phe (NM_001408407.1, NM_001408408.1, NM_001408406.1); c.4242A>C, p.Leu1414Phe (NM_001407935.1, NM_001407936.1, NM_001407934.1); c.4389A>C, p.Leu1463Phe (NM_001407937.1, NM_001407938.1, NM_001407664.1 and 6 more transcripts); c.4386A>C, p.Leu1462Phe (NM_001407939.1, NM_001407940.1, NM_001407670.1 and 11 more transcripts); c.4383A>C, p.Leu1461Phe (NM_001407941.1, NM_001407681.1, NM_001407682.1 and 6 more transcripts); c.4371A>C, p.Leu1457Phe (NM_001407942.1, NM_007297.4, NM_001407692.1 and 13 more transcripts); c.4368A>C, p.Leu1456Phe (NM_001407943.1, NM_001407944.1, NM_001407945.1 and 21 more transcripts); and 71 more; short protein forms L1208F, L1335F, L1391F, L1393F, L1414F, L1415F, L1434F, L1456F.
Identifiers: ClinVar variation 2753975 (VCV002753975.3), dbSNP rs1555582056, ClinGen allele CA10592505.
Genomic context (GRCh38, chr17:43,074,494, plus strand): 5'-AGATGGGTAGTTTCTATTCTGAAGACTCCCAGAGCAACTGTGCATGTACCACCTATCATC[T>G]AATGATGGGCATTTAGAAGGGGATGACCTAGAAAGATAAATGGAAGGAGAAAACCATCGC-3'
Protein context (NP_009225.1, residues 1494-1514): ERSSPSKCPS[Leu1504Phe]DDRWYMHSCS